The following is an entry in ClinVar:

ClinVar aggregate classification (germline): Pathogenic (1 of 4 stars; one submission).

Conditions:
AHDC1-related intellectual disability - obstructive sleep apnea - mild dysmorphism syndrome. Also called: Xia-Gibbs syndrome. Identifiers: Orphanet 412069, MedGen C4014419, MONDO:0014358, OMIM 615829.

Submission:

Laboratory of Human Genetics, Universidade de São Paulo
Classification: Pathogenic for AHDC1-related intellectual disability - obstructive sleep apnea - mild dysmorphism syndrome. Last evaluated: 2023-03-14. Review status: criteria provided, single submitter. Criteria: ACMG Guidelines, 2015. Collection method: clinical testing. Allele origin: germline. Inheritance: Autosomal dominant inheritance. Affected: yes. Observed: 1 heterozygote.
Comment: PVS1, PM2

NM_001371928.1(AHDC1):c.3376C>T (p.Gln1126Ter)

Gene: AHDC1 (AT-hook DNA binding motif containing 1; minus strand). Cytogenetic location: 1p36.11.
Variant type: single nucleotide variant.
Coding change: c.3376C>T on transcript NM_001371928.1 (MANE Select); coding-DNA position 3376, C replaced by T.
Protein change: p.Gln1126Ter; replaces glutamine 1126 with a stop codon.
Molecular consequence: nonsense.
Genome position (GRCh38, 1-based): chr1:27,548,740, G>A on the plus strand (C>T on the coding strand, the complement: AHDC1 is on the minus strand). VCF-style: chr1-27548740-G-A. GRCh37 (hg19) VCF-style: chr1-27875251-G-A.
Other names: p.Gln1126Ter; c.3376C>T, p.Gln1126Ter (NM_001029882.3); short protein forms Q1126*.
Identifiers: ClinVar variation 2626754 (VCV002626754.2), dbSNP rs2521871511, ClinGen allele CA339227084.